The following is an entry in ClinVar:

NM_000059.4(BRCA2):c.7367A>C (p.Gln2456Pro)

Gene: BRCA2 (BRCA2 DNA repair associated; plus strand). Cytogenetic location: 13q13.1.
Variant type: single nucleotide variant.
Coding change: c.7367A>C on transcript NM_000059.4 (MANE Select); coding-DNA position 7367, A replaced by C.
Protein change: p.Gln2456Pro; replaces glutamine 2456 with proline.
Molecular consequence: missense variant.
Genome position (GRCh38, 1-based): chr13:32,355,220, A>C. VCF-style: chr13-32355220-A-C. GRCh37 (hg19) VCF-style: chr13-32929357-A-C.
Other names: c.7271A>C, p.Gln2424Pro (NM_001406719.1); c.7367A>C, p.Gln2456Pro (NM_001406720.1); c.2435A>C, p.Gln812Pro (NM_001406721.1); c.950A>C, p.Gln317Pro (NM_001406722.1); short protein forms Q2456P, Q812P, Q317P, Q2424P.
Identifiers: ClinVar variation 2015307 (VCV002015307.4), dbSNP rs1555286090, ClinGen allele CA387741548.

ClinVar aggregate classification (germline): Uncertain significance (1 of 4 stars; one submission).

Conditions:
Hereditary breast ovarian cancer syndrome. Also called: Hereditary breast and/or ovarian cancer syndrome; Hereditary breast and ovarian cancer syndrome; BRCA1- and BRCA2-Associated Hereditary Breast and Ovarian Cancer; Breast and ovarian cancer; Hereditary breast and ovarian cancer; Hereditary breast and ovarian cancer syndrome (HBOC). Identifiers: Orphanet 145, MedGen C0677776, MeSH D061325, MONDO:0003582. Disease mechanism: loss of function.

Allele frequency attached by ClinVar (database versions not stated): gnomAD exomes below 0.00001.
gnomAD v4.1: 1 of 1,610,486 alleles (0.000062%); highest among the groups gnomAD compares: Non-Finnish European, 0.000085%; no homozygotes.

Submission:

Labcorp Genetics (formerly Invitae), Labcorp
Classification: Uncertain significance for Hereditary breast ovarian cancer syndrome. Last evaluated: 2022-07-09. Review status: criteria provided, single submitter. Criteria: Invitae Variant Classification Sherloc (09022015). Collection method: clinical testing. Allele origin: germline.
Comment: This sequence change replaces glutamine, which is neutral and polar, with proline, which is neutral and non-polar, at codon 2456 of the BRCA2 protein (p.Gln2456Pro). In summary, the available evidence is currently insufficient to determine the role of this variant in disease. Therefore, it has been classified as a Variant of Uncertain Significance. Advanced modeling of protein sequence and biophysical properties (such as structural, functional, and spatial information, amino acid conservation, physicochemical variation, residue mobility, and thermodynamic stability) performed at Invitae indicates that this missense variant is not expected to disrupt BRCA2 protein function. This variant has not been reported in the literature in individuals affected with BRCA2-related conditions. This variant is not present in population databases (gnomAD no frequency).